The following is an entry in ClinVar:

NM_001142800.2(EYS):c.1372C>T (p.Leu458Phe)

Gene: EYS (EGF-like photoreceptor maintenance factor; minus strand). Cytogenetic location: 6q12.
Variant type: single nucleotide variant.
Coding change: c.1372C>T on transcript NM_001142800.2 (MANE Select); coding-DNA position 1372, C replaced by T.
Protein change: p.Leu458Phe; replaces leucine 458 with phenylalanine.
Molecular consequence: missense variant.
Genome position (GRCh38, 1-based): chr6:65,353,545, G>A on the plus strand (C>T on the coding strand, the complement: EYS is on the minus strand). VCF-style: chr6-65353545-G-A. GRCh37 (hg19) VCF-style: chr6-66063438-G-A.
Other names: c.1372C>T, p.Leu458Phe (NM_001142801.2, NM_001292009.2, NM_198283.2); short protein forms L458F.
Identifiers: ClinVar variation 3694753 (VCV003694753.2).

ClinVar aggregate classification (germline): Uncertain significance (1 of 4 stars; one submission).

gnomAD v4.1: 1 of 1,613,038 alleles (0.000062%); highest among the groups gnomAD compares: South Asian, 0.0011%; no homozygotes.

Submission:

Labcorp Genetics (formerly Invitae), Labcorp
Classification: Uncertain significance. Last evaluated: 2024-02-20. Review status: criteria provided, single submitter. Criteria: Invitae Variant Classification Sherloc (09022015). Collection method: clinical testing. Allele origin: germline.
Comment: This sequence change replaces leucine, which is neutral and non-polar, with phenylalanine, which is neutral and non-polar, at codon 458 of the EYS protein (p.Leu458Phe). This variant is present in population databases (rs760342117, gnomAD 0.003%). This variant has not been reported in the literature in individuals affected with EYS-related conditions. Algorithms developed to predict the effect of missense changes on protein structure and function output the following: SIFT: "Not Available"; PolyPhen-2: "Benign"; Align-GVGD: "Not Available". The phenylalanine amino acid residue is found in multiple mammalian species, which suggests that this missense change does not adversely affect protein function. In summary, the available evidence is currently insufficient to determine the role of this variant in disease. Therefore, it has been classified as a Variant of Uncertain Significance.